The following is an entry in ClinVar:

ClinVar aggregate classification (germline): Uncertain significance. Review status: criteria provided, multiple submitters, no conflicts (2 of 4 stars). 2 submissions from 2 submitters: Uncertain significance (2). Last evaluated 2019-01-01.

Conditions:
Neurodevelopmental disorder. Identifiers: MedGen C1535926, MeSH D065886, MONDO:0700092.

Submissions (2):

Institute of Human Genetics, University of Leipzig Medical Center
Classification: Uncertain significance for Neurodevelopmental disorder. Last evaluated: 2019-01-01. Review status: criteria provided, single submitter. Criteria: ACMG Guidelines, 2015. Collection method: clinical testing. Allele origin: unknown. Affected: yes.
Comment: This variant was identified as compound heterozygous.

Breakthrough Genomics
Classification: Uncertain significance. Review status: criteria provided, single submitter. Criteria: ACMG Guidelines, 2015. Collection method: not provided. Allele origin: germline. Inheritance: Unknown mechanism. Affected: yes.

NM_030971.6(SFXN3):c.628del (p.Ala210fs)

Genes: PDZD7 (PDZ domain containing 7; minus strand), SFXN3 (sideroflexin 3; plus strand), LOC145387448 (uncharacterized LOC145387448; minus strand). Cytogenetic location: 10q24.31.
Variant type: Deletion.
Coding change: c.628del on transcript NM_030971.6 (MANE Select); coding-DNA position 628, one base deleted (G; older notation c.628delG).
Protein change: p.Ala210fs; shifts the reading frame from alanine 210.
Molecular consequence: frameshift variant. On other transcripts: non-coding transcript variant (8).
Genome position (GRCh38, 1-based): chr10:101,037,110, G deleted; the last of 2 consecutive G bases (chr10:101,037,109-101,037,110); deleting either gives the same sequence. VCF-style (leftmost placement, unchanged base first): chr10-101037108-AG-A. GRCh37 (hg19) VCF-style: chr10-102796865-AG-A.
Other names: c.652del, p.Ala218fs (NM_001388027.1, NM_001388028.1); c.640del, p.Ala214fs (NM_001388029.1, NM_001388030.1, NM_001388031.1); c.589del, p.Ala197fs (NM_001388032.1); c.520del, p.Ala174fs (NM_001388033.1); c.355del, p.Ala119fs (NM_001388034.1, NM_001388035.1); short protein forms A214fs, A119fs, A174fs, A197fs, A218fs, A210fs.
Identifiers: ClinVar variation 983023 (VCV000983023.3), dbSNP rs563028036, ClinGen allele CA5654825.